The following is an entry in ClinVar:

ClinVar aggregate classification (germline): Likely pathogenic. Review status: criteria provided, multiple submitters, no conflicts (2 of 4 stars). 3 submissions from 3 submitters: Likely pathogenic (2). 1 of the submissions does not count toward it. Last evaluated 2025-05-04.

Conditions:
Spastic paraplegia. Identifiers: MedGen C0037772, HP:0001258.
Hereditary spastic paraplegia 15 (SPG15). Also called: KJELLIN SYNDROME; SPASTIC PARAPLEGIA AND RETINAL DEGENERATION; SPASTIC PARAPLEGIA 15, AUTOSOMAL RECESSIVE. Identifiers: Orphanet 100996, MedGen C1849128, MONDO:0010044, OMIM 270700.

Allele frequency attached by ClinVar (database versions not stated): gnomAD exomes 0.00001 and 0.00005; gnomAD 0.00002; TOPMed 0.00002; ExAC 0.00005.
gnomAD v4.1: 14 of 1,609,064 alleles (0.00087%); highest among the groups gnomAD compares: East Asian, 0.029%; no homozygotes.

Submissions (3):

Labcorp Genetics (formerly Invitae), Labcorp
Classification: Likely pathogenic for Spastic paraplegia. Last evaluated: 2025-05-04. Review status: criteria provided, single submitter. Criteria: Invitae Variant Classification Sherloc (09022015). Collection method: clinical testing. Allele origin: germline.
Comment: This sequence change affects an acceptor splice site in intron 3 of the ZFYVE26 gene. It is expected to disrupt RNA splicing. Variants that disrupt the donor or acceptor splice site typically lead to a loss of protein function (PMID: 16199547), and loss-of-function variants in ZFYVE26 are known to be pathogenic (PMID: 18394578, 19805727). This variant is present in population databases (rs769329153, gnomAD 0.08%). This variant has not been reported in the literature in individuals affected with ZFYVE26-related conditions. ClinVar contains an entry for this variant (Variation ID: 558669). Algorithms developed to predict the effect of sequence changes on RNA splicing suggest that this variant may disrupt the consensus splice site. In summary, the currently available evidence indicates that the variant is pathogenic, but additional data are needed to prove that conclusively. Therefore, this variant has been classified as Likely Pathogenic.

Fulgent Genetics
Classification: Likely pathogenic for Hereditary spastic paraplegia 15. Last evaluated: 2024-05-29. Review status: criteria provided, single submitter. Criteria: ACMG Guidelines, 2015. Collection method: clinical testing. Allele origin: germline.

Counsyl
Classification: Likely pathogenic for Hereditary spastic paraplegia 15. Last evaluated: 2018-06-04. Review status: no assertion criteria provided. Collection method: clinical testing. Allele origin: unknown. Not counted in ClinVar's aggregate classification.

Literature cited by the submitters: PubMed 16199547 (cited by Labcorp Genetics (formerly Invitae), Labcorp); PubMed 18394578 (cited by Labcorp Genetics (formerly Invitae), Labcorp); PubMed 19805727 (cited by Labcorp Genetics (formerly Invitae), Labcorp).

NM_015346.4(ZFYVE26):c.274-2A>G

Gene: ZFYVE26 (zinc finger FYVE-type containing 26; minus strand). Cytogenetic location: 14q24.1.
Variant type: single nucleotide variant.
Coding change: c.274-2A>G on transcript NM_015346.4 (MANE Select); the canonical splice acceptor site of the intron before coding-DNA position 274, A replaced by G.
Molecular consequence: splice acceptor variant.
Genome position (GRCh38, 1-based): chr14:67,809,291, T>C on the plus strand (A>G on the coding strand, the complement: ZFYVE26 is on the minus strand). VCF-style: chr14-67809291-T-C. GRCh37 (hg19) VCF-style: chr14-68276008-T-C.
Identifiers: ClinVar variation 558669 (VCV000558669.13), dbSNP rs769329153, ClinGen allele CA7240834.